The following is an entry in ClinVar:

ClinVar aggregate classification (germline): Uncertain significance. Review status: criteria provided, multiple submitters, no conflicts (2 of 4 stars). 2 submissions from 2 submitters: Uncertain significance (2). Last evaluated 2025-10-22.

Conditions:
Inborn genetic diseases. Identifiers: MedGen C0950123, MeSH D030342.

Submissions (2):

Ambry Genetics
Classification: Uncertain significance for Inborn genetic diseases. Last evaluated: 2025-10-22. Review status: criteria provided, single submitter. Criteria: Ambry Variant Classification Scheme 2023. Collection method: clinical testing. Allele origin: germline.

GeneDx
Classification: Uncertain significance. Last evaluated: 2024-07-05. Review status: criteria provided, single submitter. Criteria: GeneDx Variant Classification Process June 2021. Collection method: clinical testing. Allele origin: germline. Affected: yes.
Comment: Not observed at significant frequency in large population cohorts (gnomAD); In silico analysis indicates that this missense variant does not alter protein structure/function; Has not been previously published as pathogenic or benign to our knowledge

NM_198880.3(QRICH1):c.2212A>G (p.Ile738Val)

Gene: QRICH1 (glutamine rich 1; minus strand). Cytogenetic location: 3p21.31.
Variant type: single nucleotide variant.
Coding change: c.2212A>G on transcript NM_198880.3 (MANE Select); coding-DNA position 2212, A replaced by G.
Protein change: p.Ile738Val; replaces isoleucine 738 with valine.
Molecular consequence: missense variant.
Genome position (GRCh38, 1-based): chr3:49,030,571, T>C on the plus strand (A>G on the coding strand, the complement: QRICH1 is on the minus strand). VCF-style: chr3-49030571-T-C. GRCh37 (hg19) VCF-style: chr3-49068004-T-C.
Other names: c.2212A>G (NM_017730.2); c.2212A>G, p.Ile738Val (NM_001320580.2, NM_001320581.2, NM_001320582.2 and 4 more transcripts); short protein forms I738V.
Identifiers: ClinVar variation 3572479 (VCV003572479.2).